The following is an entry in ClinVar:

ClinVar aggregate classification (germline): Uncertain significance (1 of 4 stars; one submission).

Submission:

Labcorp Genetics (formerly Invitae), Labcorp
Classification: Uncertain significance. Last evaluated: 2025-12-23. Review status: criteria provided, single submitter. Criteria: Invitae Variant Classification Sherloc (09022015). Collection method: clinical testing. Allele origin: germline.
Comment: This sequence change replaces cysteine, which is neutral and slightly polar, with arginine, which is basic and polar, at codon 451 of the KLHL7 protein (p.Cys451Arg). This variant is not present in population databases (gnomAD no frequency). This variant has not been reported in the literature in individuals affected with KLHL7-related conditions. An algorithm developed to predict the effect of missense changes on protein structure and function (PolyPhen-2) suggests that this variant is likely to be disruptive. In summary, the available evidence is currently insufficient to determine the role of this variant in disease. Therefore, it has been classified as a Variant of Uncertain Significance.

NM_001031710.3(KLHL7):c.1351T>C (p.Cys451Arg)

Gene: KLHL7 (kelch like family member 7; plus strand). Cytogenetic location: 7p15.3.
Variant type: single nucleotide variant.
Coding change: c.1351T>C on transcript NM_001031710.3 (MANE Select); coding-DNA position 1351, T replaced by C.
Protein change: p.Cys451Arg; replaces cysteine 451 with arginine.
Molecular consequence: missense variant. On other transcripts: non-coding transcript variant (1).
Genome position (GRCh38, 1-based): chr7:23,168,009, T>C. VCF-style: chr7-23168009-T-C. GRCh37 (hg19) VCF-style: chr7-23207628-T-C.
Other names: c.1207T>C, p.Cys403Arg (NM_018846.5); short protein forms C451R, C403R.
Identifiers: ClinVar variation 4734041 (VCV004734041.1).
Genomic context (GRCh38, chr7:23,168,009, plus strand): 5'-CTAATCTATGTTTGTGGTGGAAGTTTAGGAAACAATGTTTCTGGGAGAGTGCTTAATTCC[T>C]GTGAAGTTTATGATCCTGCCACAGAAACGTATGTATCTATTTAAAATTTATTTTACAGTT-3'
Protein context (NP_001026880.2, residues 441-461): NNVSGRVLNS[Cys451Arg]EVYDPATETW